The following is an entry in ClinVar:

NM_001130438.3(SPTAN1):c.3664G>T (p.Ala1222Ser)

Gene: SPTAN1 (spectrin alpha, non-erythrocytic 1; plus strand). Cytogenetic location: 9q34.11.
Variant type: single nucleotide variant.
Coding change: c.3664G>T on transcript NM_001130438.3 (MANE Select); coding-DNA position 3664, G replaced by T.
Protein change: p.Ala1222Ser; replaces alanine 1222 with serine.
Molecular consequence: missense variant.
Genome position (GRCh38, 1-based): chr9:128,604,362, G>T. VCF-style: chr9-128604362-G-T. GRCh37 (hg19) VCF-style: chr9-131366641-G-T.
Other names: p.A1222S:GCC>TCC; c.3604G>T, p.Ala1202Ser (NM_001195532.2, NM_001363765.2); c.3664G>T, p.Ala1222Ser (NM_001363759.2, NM_003127.4); short protein forms A1222S, A1202S.
Identifiers: ClinVar variation 207284 (VCV000207284.9), dbSNP rs796053306, ClinGen allele CA318605.

ClinVar aggregate classification (germline): Conflicting classifications of pathogenicity. Review status: criteria provided, conflicting classifications (1 of 4 stars). 2 submissions from 2 submitters: Uncertain significance (1); Likely benign (1). Last evaluated 2026-01-05.

Conditions:
Early-infantile DEE. Also called: Early infantile epileptic encephalopathy; Ohtahara syndrome; Early infantile epileptic encephalopathy with suppression bursts. Identifiers: Orphanet 1934, MedGen C0393706, MONDO:0800491.

Allele frequency attached by ClinVar (database versions not stated): TOPMed 0.00001.

Submissions (2):

Labcorp Genetics (formerly Invitae), Labcorp
Classification: Uncertain significance for Early-infantile DEE. Last evaluated: 2026-01-05. Review status: criteria provided, single submitter. Criteria: Invitae Variant Classification Sherloc (09022015). Collection method: clinical testing. Allele origin: germline.
Comment: This sequence change replaces alanine, which is neutral and non-polar, with serine, which is neutral and polar, at codon 1222 of the SPTAN1 protein (p.Ala1222Ser). This variant is not present in population databases (gnomAD no frequency). This variant has not been reported in the literature in individuals affected with SPTAN1-related conditions. ClinVar contains an entry for this variant (Variation ID: 207284). Invitae Evidence Modeling of protein sequence and biophysical properties (such as structural, functional, and spatial information, amino acid conservation, physicochemical variation, residue mobility, and thermodynamic stability) has been performed for this missense variant. However, the output from this modeling did not meet the statistical confidence thresholds required to predict the impact of this variant on SPTAN1 protein function. In summary, the available evidence is currently insufficient to determine the role of this variant in disease. Therefore, it has been classified as a Variant of Uncertain Significance.

GeneDx
Classification: Likely benign. Last evaluated: 2014-03-04. Review status: criteria provided, single submitter. Criteria: GeneDx Variant Classification (06012015). Collection method: clinical testing. Allele origin: germline. Affected: yes.
Comment: This variant is considered likely benign or benign based on one or more of the following criteria: it is a conservative change, it occurs at a poorly conserved position in the protein, it is predicted to be benign by multiple in silico algorithms, and/or has population frequency not consistent with disease.